The following is an entry in ClinVar:

NM_001372.4(DNAH9):c.12198del (p.Lys4066fs)

Gene: DNAH9 (dynein axonemal heavy chain 9; plus strand). Cytogenetic location: 17p12.
Variant type: Deletion.
Coding change: c.12198del on transcript NM_001372.4 (MANE Select); coding-DNA position 12198, one base deleted (A; older notation c.12198delA).
Protein change: p.Lys4066fs; shifts the reading frame from lysine 4066.
Molecular consequence: frameshift variant.
Genome position (GRCh38, 1-based): chr17:11,932,106, A deleted; the last of 4 consecutive A bases (chr17:11,932,103-11,932,106); deleting any one gives the same sequence. VCF-style (leftmost placement, unchanged base first): chr17-11932102-GA-G. GRCh37 (hg19) VCF-style: chr17-11835419-GA-G.
Other names: c.1134del, p.Lys378fs (NM_004662.2); short protein forms K378fs, K4066fs.
Identifiers: ClinVar variation 4735599 (VCV004735599.1).

ClinVar aggregate classification (germline): Pathogenic (1 of 4 stars; one submission).

Submission:

Labcorp Genetics (formerly Invitae), Labcorp
Classification: Pathogenic. Last evaluated: 2026-01-19. Review status: criteria provided, single submitter. Criteria: Invitae Variant Classification Sherloc (09022015). Collection method: clinical testing. Allele origin: germline.
Comment: This sequence change creates a premature translational stop signal (p.Lys4066Asnfs*22) in the DNAH9 gene. It is expected to result in an absent or disrupted protein product. Loss-of-function variants in DNAH9 are known to be pathogenic (PMID: 30471718). This variant is not present in population databases (gnomAD no frequency). This variant has not been reported in the literature in individuals affected with DNAH9-related conditions. For these reasons, this variant has been classified as Pathogenic.

Literature cited by the submitters: PubMed 30471718.